The following is an entry in ClinVar:

NM_006231.4(POLE):c.6179C>T (p.Thr2060Ile)

Gene: POLE (DNA polymerase epsilon, catalytic subunit; minus strand). Cytogenetic location: 12q24.33.
Variant type: single nucleotide variant.
Coding change: c.6179C>T on transcript NM_006231.4 (MANE Select); coding-DNA position 6179, C replaced by T.
Protein change: p.Thr2060Ile; replaces threonine 2060 with isoleucine.
Molecular consequence: missense variant.
Genome position (GRCh38, 1-based): chr12:132,632,466, G>A on the plus strand (C>T on the coding strand, the complement: POLE is on the minus strand). VCF-style: chr12-132632466-G-A. GRCh37 (hg19) VCF-style: chr12-133209052-G-A.
Other names: short protein forms T2060I.
Identifiers: ClinVar variation 1052803 (VCV001052803.9), dbSNP rs761423995, ClinGen allele CA387369875.
Genomic context (GRCh38, chr12:132,632,466, plus strand): 5'-GAGTTCCGAGAGCCTGTGACTTTCTTCTGAATCTTCTGAGTGATGGTGAAGAAGCTCTGA[G>A]TGAGCTCATTTGCGACATAATCCTGAGAGAAGGTGATCATTCCTGGAAGTATAAGGATGC-3'
Protein context (NP_006222.2, residues 2050-2070): FSQDYVANEL[Thr2060Ile]QSFFTITQKI

ClinVar aggregate classification (germline): Uncertain significance (1 of 4 stars; one submission).

Submission:

Labcorp Genetics (formerly Invitae), Labcorp
Classification: Uncertain significance. Last evaluated: 2021-06-01. Review status: criteria provided, single submitter. Criteria: Invitae Variant Classification Sherloc (09022015). Collection method: clinical testing. Allele origin: germline.
Comment: This sequence change replaces threonine with isoleucine at codon 2060 of the POLE protein (p.Thr2060Ile). The threonine residue is moderately conserved and there is a moderate physicochemical difference between threonine and isoleucine. In summary, the available evidence is currently insufficient to determine the role of this variant in disease. Therefore, it has been classified as a Variant of Uncertain Significance. Algorithms developed to predict the effect of missense changes on protein structure and function are either unavailable or do not agree on the potential impact of this missense change (SIFT: "Deleterious"; PolyPhen-2: "Possibly Damaging"; Align-GVGD: "Class C15"). This variant has not been reported in the literature in individuals with POLE-related conditions. This variant is not present in population databases (ExAC no frequency).